The following is an entry in ClinVar:

ClinVar aggregate classification (germline): Uncertain significance (1 of 4 stars; one submission).

Conditions:
Bardet-Biedl syndrome (BBS). Identifiers: Orphanet 110, MedGen C0752166, MONDO:0015229.

Submission:

Labcorp Genetics (formerly Invitae), Labcorp
Classification: Uncertain significance for Bardet-Biedl syndrome. Last evaluated: 2022-10-05. Review status: criteria provided, single submitter. Criteria: Invitae Variant Classification Sherloc (09022015). Collection method: clinical testing. Allele origin: germline.
Comment: In summary, the available evidence is currently insufficient to determine the role of this variant in disease. Therefore, it has been classified as a Variant of Uncertain Significance. Advanced modeling of protein sequence and biophysical properties (such as structural, functional, and spatial information, amino acid conservation, physicochemical variation, residue mobility, and thermodynamic stability) performed at Invitae indicates that this missense variant is expected to disrupt BBS10 protein function. ClinVar contains an entry for this variant (Variation ID: 1044603). This variant has not been reported in the literature in individuals affected with BBS10-related conditions. This variant is not present in population databases (gnomAD no frequency). This sequence change replaces serine, which is neutral and polar, with leucine, which is neutral and non-polar, at codon 191 of the BBS10 protein (p.Ser191Leu).

NM_024685.4(BBS10):c.572C>T (p.Ser191Leu)

Gene: BBS10 (Bardet-Biedl syndrome 10; minus strand). Cytogenetic location: 12q21.2.
Variant type: single nucleotide variant.
Coding change: c.572C>T on transcript NM_024685.4 (MANE Select); coding-DNA position 572, C replaced by T.
Protein change: p.Ser191Leu; replaces serine 191 with leucine.
Molecular consequence: missense variant.
Genome position (GRCh38, 1-based): chr12:76,347,413, G>A on the plus strand (C>T on the coding strand, the complement: BBS10 is on the minus strand). VCF-style: chr12-76347413-G-A. GRCh37 (hg19) VCF-style: chr12-76741193-G-A.
Other names: short protein forms S191L.
Identifiers: ClinVar variation 1044603 (VCV001044603.8), dbSNP rs1951767969, ClinGen allele CA385814889.
Genomic context (GRCh38, chr12:76,347,413, plus strand): 5'-AATACACCAATCCCACTTTTACAAGTCATACACTTGAAAAAGTAGTCACACATCAACTGT[G>A]AAATAAATTTATGATTATTTCTTCCCACTCTTCCACAAAAGTATGCTTCTAAGAGCAACT-3'
Protein context (NP_078961.3, residues 181-201): RVGRNNHKFI[Ser191Leu]QLMCDYFFKC